The following continues an entry in ClinVar:

NM_004004.6(GJB2):c.551G>C (p.Arg184Pro)

Gene: GJB2. ClinVar aggregate classification (germline): Pathogenic. Pathogenic (19).

Submissions 15 to 24 of 24:

Centre for Mendelian Genomics, University Medical Centre Ljubljana
Classification: Pathogenic for Autosomal dominant nonsyndromic hearing loss 3A. Last evaluated: 2019-01-26. Review status: criteria provided, single submitter. Criteria: ACMG Guidelines, 2015. Collection method: clinical testing. Allele origin: unknown. Affected: yes.
Comment: This variant was classified as: Pathogenic. The following ACMG criteria were applied in classifying this variant: PM2,PP2,PP3,PP5.

Fulgent Genetics
Classification: Pathogenic for Mutilating keratoderma; Autosomal dominant keratitis-ichthyosis-hearing loss syndrome; Palmoplantar keratoderma-deafness syndrome; Knuckle pads, deafness AND leukonychia syndrome; Autosomal recessive nonsyndromic hearing loss 1A; X-linked mixed hearing loss with perilymphatic gusher; Autosomal dominant nonsyndromic hearing loss 3A. Last evaluated: 2018-10-31. Review status: criteria provided, single submitter. Criteria: ACMG Guidelines, 2015. Collection method: clinical testing. Allele origin: unknown.

Illumina Laboratory Services, Illumina
Classification: Pathogenic for Autosomal recessive nonsyndromic hearing loss 1A. Last evaluated: 2018-10-18. Review status: criteria provided, single submitter. Criteria: ICSL Variant Classification Criteria 09 May 2019. Collection method: clinical testing. Allele origin: germline.
Comment: Across a selection of the available literature, GJB2 the c.551G>C (p.Arg184Pro) missense variant has been identified in a sixteen individuals affected with hearing loss including three homozygotes, ten compound heterozygotes, and three heterozygotes (Murgia et al. 1999; Azaiez et al. 2004; Tang et al. 2006; Mani et al. 2009; Dodson et al. 2011; Keivani et al. 2015). The variant was also identified in six unaffected heterozygotes (Keivani et al. 2015). The p.Arg184Pro variant was absent from 355 controls but is reported at a frequency of 0.000087 in the Latino population of the Genome Aggregation Database. In vitro functional studies in HeLa cells showed that the p.Arg184Pro variant resulted in defective trafficking, exhibited increased RNA expression versus wild type and resulted in a coupling defect (Mani et al. 2009; ThÃ¶nnissen et al. 2002). In Xenopus oocytes the variant protein was unable to induce formation of intracellular channels thus resulting in a loss of function (Bruzzone et al. 2003). Based on the collective evidence, the p.Arg184Pro variant is classified as pathogenic for autosomal recessive nonsyndromic hearing loss. This variant was observed by ICSL as part of a predisposition screen in an ostensibly healthy population.

Genomic Diagnostic Laboratory, Division of Genomic Diagnostics, Children's Hospital of Philadelphia
Classification: Pathogenic for Deafness, autosomal recessive 1A. Last evaluated: 2017-05-09. Review status: criteria provided, single submitter. Criteria: DGD Variant Analysis Guidelines. Collection method: clinical testing. Allele origin: germline. Affected: yes. Observed: 2 variant alleles.

Women's Health and Genetics/Laboratory Corporation of America, LabCorp
Classification: Pathogenic for Autosomal recessive nonsyndromic hearing loss 1A. Last evaluated: 2016-03-23. Review status: criteria provided, single submitter. Criteria: LabCorp Variant Classification Summary - May 2015. Collection method: clinical testing. Allele origin: germline.
Comment: Variant summary: Variant affects a conserved nucleotide and results in a replacement of a large size and basic Arginine (R) with a medium size and hydrophobic Proline (P). 5/5 in silico tools predict the variant to be disease causing. The variant was observed in the large and broad cohorts of the ExAC project at an allele frequency of 0.00412% which does not exceed the maximal expected allele frequency of a disease causing GJB2 allele (2.5%). The variant was reported in several patients affected with hearing loss, most of them were homozygous for the variant of interest or compound heterozygotes with another pathogenic GJB2 mutation indicating pathogenicity. A functional study demonstrated R184P as a coupling deficient variant. In experiments with oligomerization of mutated connexin proteins R184P was detected only as monomeric protein, suggesting inability to form hemichannels further supporting pathogenicity. Additionally, several clinical diagnostic laboratories and reputable database classify variant as pathogenic (without evidence to independently evaluate). Furthermore, variants affecting the same codon, p.R184W, p.R184G and p.R184Q were reported to be associated with Deafness, autosomal recessive 1 and Deafness, autosomal dominant 3, respectively indicating the variant to be located in a mutational hotspot and the Arg184 residue to be functionally important. Considering all evidence, the variant was classified as a Pathogenic.

Counsyl
Classification: Pathogenic for Autosomal recessive nonsyndromic hearing loss 1A. Last evaluated: 2016-09-09. Review status: no assertion criteria provided. Collection method: clinical testing. Allele origin: unknown. Not counted in ClinVar's aggregate classification.

Clinical Molecular Genetics Laboratory, Johns Hopkins All Children's Hospital
Classification: Pathogenic for Hearing loss. Last evaluated: 2015-06-01. Review status: no assertion criteria provided. Collection method: clinical testing. Allele origin: germline. Affected: yes. Not counted in ClinVar's aggregate classification.

OMIM
Classification: Pathogenic for DEAFNESS, AUTOSOMAL RECESSIVE 1A. Last evaluated: 2004-02-01. Review status: no assertion criteria provided. Collection method: literature only. Allele origin: germline. Not counted in ClinVar's aggregate classification.

GeneReviews
No classification provided. Condition: Autosomal recessive nonsyndromic hearing loss 1A. Review status: no classification provided. Collection method: literature only. Allele origin: unknown. Not counted in ClinVar's aggregate classification.

Genomic Medicine Center of Excellence, King Faisal Specialist Hospital and Research Centre
Classification: Uncertain significance for Autosomal recessive nonsyndromic hearing loss 1A. Last evaluated: 2024-04-04. Review status: flagged submission. Criteria: ACMG Guidelines, 2015. Collection method: clinical testing. Allele origin: germline. Not counted in ClinVar's aggregate classification.
ClinVar note: Reason: Outlier claim with insufficient supporting evidence

Literature cited by the submitters: PubMed 12505163 (cited by 7 submitters); PubMed 10544226 (cited by 6 submitters); PubMed 10830906 (cited by 3billion); PubMed 18941476 (cited by 7 submitters); PubMed 10874298 (cited by 3 submitters); PubMed 19371219 (cited by Labcorp Genetics (formerly Invitae), Labcorp and Laboratory for Molecular Medicine, Mass General Brigham Personalized Medicine); PubMed 25708704 (cited by 4 submitters); PubMed 26117665 (cited by 3 submitters); PubMed 12176036 (cited by Labcorp Genetics (formerly Invitae), Labcorp and INGEBI, INGEBI / CONICET); PubMed 12189493 (cited by 6 submitters); PubMed 15241677 (cited by Labcorp Genetics (formerly Invitae), Labcorp); PubMed 22695344 (cited by Natera, Inc.); PubMed 12792423 (cited by Victorian Clinical Genetics Services, Murdoch Childrens Research Institute); PubMed 20301449 (cited by Victorian Clinical Genetics Services, Murdoch Childrens Research Institute and GeneReviews); PubMed 26096904 (cited by Victorian Clinical Genetics Services, Murdoch Childrens Research Institute); PubMed 28428247 (cited by Victorian Clinical Genetics Services, Murdoch Childrens Research Institute); PubMed 31160754 (cited by Victorian Clinical Genetics Services, Murdoch Childrens Research Institute); PubMed 31569309 (cited by Victorian Clinical Genetics Services, Murdoch Childrens Research Institute); PubMed 36672810 (cited by Victorian Clinical Genetics Services, Murdoch Childrens Research Institute); PubMed 9336442 (cited by 4 submitters); PubMed 10982180 (cited by 3 submitters); PubMed 16380907 (cited by 4 submitters); PubMed 19173109 (cited by Laboratory for Molecular Medicine, Mass General Brigham Personalized Medicine and Athena Diagnostics); PubMed 15365987 (cited by Laboratory for Molecular Medicine, Mass General Brigham Personalized Medicine and Illumina Laboratory Services, Illumina); PubMed 19125024 (cited by Laboratory for Molecular Medicine, Mass General Brigham Personalized Medicine and Athena Diagnostics); PubMed 18560174 (cited by 3 submitters); PubMed 19715472 (cited by Laboratory for Molecular Medicine, Mass General Brigham Personalized Medicine and Athena Diagnostics); PubMed 14985372 (cited by Laboratory for Molecular Medicine, Mass General Brigham Personalized Medicine); PubMed 15855033 (cited by Laboratory for Molecular Medicine, Mass General Brigham Personalized Medicine); PubMed 12176179 (cited by 3 submitters); PubMed 17485979 (cited by 3 submitters); PubMed 19941053 (cited by Laboratory for Molecular Medicine, Mass General Brigham Personalized Medicine); PubMed 15967879 (cited by Laboratory for Molecular Medicine, Mass General Brigham Personalized Medicine); PubMed 25085637 (cited by Laboratory for Molecular Medicine, Mass General Brigham Personalized Medicine and Athena Diagnostics); PubMed 22808909 (cited by Laboratory for Molecular Medicine, Mass General Brigham Personalized Medicine); PubMed 11551103 (cited by Laboratory for Molecular Medicine, Mass General Brigham Personalized Medicine and INGEBI, INGEBI / CONICET); PubMed 24529908 (cited by 3 submitters); PubMed 12417772 (cited by Laboratory for Molecular Medicine, Mass General Brigham Personalized Medicine); PubMed 24158611 (cited by INGEBI, INGEBI / CONICET); PubMed 1218943 (cited by INGEBI, INGEBI / CONICET); PubMed 21465647 (cited by 4 submitters); PubMed 26381000 (cited by Athena Diagnostics and Women's Health and Genetics/Laboratory Corporation of America, LabCorp); PubMed 17935238 (cited by Athena Diagnostics and Counsyl); PubMed 17666888 (cited by Athena Diagnostics and Counsyl); PubMed 31992338 (cited by Athena Diagnostics); PubMed 31620696 (cited by Athena Diagnostics); PubMed 17041943 (cited by Illumina Laboratory Services, Illumina); PubMed 21198395 (cited by Women's Health and Genetics/Laboratory Corporation of America, LabCorp); PubMed 22975760 (cited by Counsyl); PubMed 9620796 (cited by OMIM); PubMed 14735592 (cited by OMIM and GeneReviews); NCBI Bookshelf NBK1272 (cited by GeneReviews).